The following is an entry in ClinVar:

ClinVar aggregate classification (germline): Pathogenic (1 of 4 stars; one submission).

Conditions:
Neurometabolic disorder due to serine deficiency. Identifiers: Orphanet 35705, MedGen C5680148, MONDO:0018162.

Submission:

Myriad Genetics, Inc.
Classification: Pathogenic for Neurometabolic disorder due to serine deficiency. Last evaluated: 2025-04-26. Review status: criteria provided, single submitter. Criteria: Myriad Autosomal Dominant, Autosomal Recessive and X-Linked Classification Criteria (2023). Collection method: clinical testing. Allele origin: unknown.
Comment: NM_006623.3(PHGDH):c.964_967delACCA(T322Vfs*20) is expected to be pathogenic in the context of serine deficiency disorder, PHGDH-related. This variant is predicted to lead to an abnormal or absent protein product due to the creation of a premature termination codon in PHGDH, a gene where loss-of-function variants are known to be pathogenic. Please note: this variant was assessed in the context of healthy population screening.

NM_006623.4(PHGDH):c.964_967del (p.Thr322fs)

Gene: PHGDH (phosphoglycerate dehydrogenase; plus strand). Cytogenetic location: 1p12.
Variant type: Deletion.
Coding change: c.964_967del on transcript NM_006623.4 (MANE Select); coding-DNA positions 964 to 967, 4 bases deleted (ACCA; older notation c.964_967delACCA).
Protein change: p.Thr322fs; shifts the reading frame from threonine 322.
Molecular consequence: frameshift variant.
Genome position (GRCh38, 1-based): chr1:119,740,404-119,740,407, ACCA deleted. VCF-style (leftmost placement, unchanged base first): chr1-119740403-TACCA-T. GRCh37 (hg19) VCF-style: chr1-120283026-TACCA-T.
Other names: short protein forms T322fs.
Identifiers: ClinVar variation 5014351 (VCV005014351.1).